The following is an entry in ClinVar:

ClinVar aggregate classification (germline): Uncertain significance (1 of 4 stars; one submission).

Allele frequency attached by ClinVar (database versions not stated): gnomAD exomes below 0.00001.
gnomAD v4.1: 1 of 1,613,710 alleles (0.000062%); highest among the groups gnomAD compares: Admixed American, 0.0017%; no homozygotes.

Submission:

Labcorp Genetics (formerly Invitae), Labcorp
Classification: Uncertain significance. Last evaluated: 2022-10-25. Review status: criteria provided, single submitter. Criteria: Invitae Variant Classification Sherloc (09022015). Collection method: clinical testing. Allele origin: germline.
Comment: This sequence change replaces tryptophan, which is neutral and slightly polar, with glycine, which is neutral and non-polar, at codon 1639 of the TUBGCP6 protein (p.Trp1639Gly). This variant is not present in population databases (gnomAD no frequency). This variant has not been reported in the literature in individuals affected with TUBGCP6-related conditions. Algorithms developed to predict the effect of missense changes on protein structure and function are either unavailable or do not agree on the potential impact of this missense change (SIFT: "Deleterious"; PolyPhen-2: "Probably Damaging"; Align-GVGD: "Class C0"). In summary, the available evidence is currently insufficient to determine the role of this variant in disease. Therefore, it has been classified as a Variant of Uncertain Significance.

NM_020461.4(TUBGCP6):c.4915T>G (p.Trp1639Gly)

Gene: TUBGCP6 (tubulin gamma complex component 6; minus strand). Cytogenetic location: 22q13.33.
Variant type: single nucleotide variant.
Coding change: c.4915T>G on transcript NM_020461.4 (MANE Select); coding-DNA position 4915, T replaced by G.
Protein change: p.Trp1639Gly; replaces tryptophan 1639 with glycine.
Molecular consequence: missense variant.
Genome position (GRCh38, 1-based): chr22:50,218,527, A>C on the plus strand (T>G on the coding strand, the complement: TUBGCP6 is on the minus strand). VCF-style: chr22-50218527-A-C. GRCh37 (hg19) VCF-style: chr22-50656956-A-C.
Other names: short protein forms W1639G.
Identifiers: ClinVar variation 2060803 (VCV002060803.1), dbSNP rs2519121995, ClinGen allele CA412165484.